The following is an entry in ClinVar:

ClinVar aggregate classification (germline): Pathogenic. Review status: criteria provided, multiple submitters, no conflicts (2 of 4 stars). 2 submissions from 2 submitters: Pathogenic (2). Last evaluated 2025-04-22.

Conditions:
Pheochromocytoma/paraganglioma syndrome 4. Also called: CAROTID BODY TUMORS AND MULTIPLE EXTRAADRENAL PHEOCHROMOCYTOMAS; PARAGANGLIOMA, FAMILIAL MALIGNANT; PARAGANGLIOMAS, HEREDITARY EXTRAADRENAL; PHEOCHROMOCYTOMA, FAMILIAL EXTRAADRENAL; Paragangliomas 4; SDHB-Related Hereditary Paraganglioma-Pheochromocytoma Syndrome (Paragangliomas 4). Identifiers: Orphanet 29072, MedGen C1861848, MONDO:0007273, OMIM 115310.
Pheochromocytoma. Also called: MAX-Related Hereditary Paraganglioma-Pheochromocytoma Syndrome. Identifiers: Orphanet 29072, MedGen C0031511, MONDO:0008233, OMIM 171300, HP:0002666.
Gastrointestinal stromal tumor. Also called: Gastrointestinal stromal tumor, somatic; Gastrointestinal stroma tumor. Identifiers: Orphanet 44890, MedGen C0238198, MeSH D046152, MONDO:0011719, OMIM 606764, HP:0100723.

Submissions (2):

Labcorp Genetics (formerly Invitae), Labcorp
Classification: Pathogenic for Gastrointestinal stromal tumor; Pheochromocytoma/paraganglioma syndrome 4; Pheochromocytoma. Last evaluated: 2025-04-22. Review status: criteria provided, single submitter. Criteria: Invitae Variant Classification Sherloc (09022015). Collection method: clinical testing. Allele origin: germline.
Comment: This sequence change creates a premature translational stop signal (p.Lys126*) in the SDHB gene. It is expected to result in an absent or disrupted protein product. Loss-of-function variants in SDHB are known to be pathogenic (PMID: 19454582, 19802898). Information on the frequency of this variant in the gnomAD database is not available, as this variant may be reported differently in the database. This variant has not been reported in the literature in individuals affected with SDHB-related conditions. ClinVar contains an entry for this variant (Variation ID: 3254296). For these reasons, this variant has been classified as Pathogenic.

Myriad Genetics, Inc.
Classification: Pathogenic for Pheochromocytoma/paraganglioma syndrome 4. Last evaluated: 2024-05-08. Review status: criteria provided, single submitter. Criteria: Myriad Autosomal Dominant, Autosomal Recessive and X-Linked Classification Criteria (2023). Collection method: clinical testing. Allele origin: unknown.
Comment: This variant is considered pathogenic. This variant creates a termination codon and is predicted to result in premature protein truncation.

Literature cited by the submitters: PubMed 19454582 (cited by Labcorp Genetics (formerly Invitae), Labcorp); PubMed 19802898 (cited by Labcorp Genetics (formerly Invitae), Labcorp).

NM_003000.3(SDHB):c.375_376delinsGT (p.Lys126Ter)

Gene: SDHB (succinate dehydrogenase complex iron sulfur subunit B; minus strand). Cytogenetic location: 1p36.13.
Variant type: Indel.
Coding change: c.375_376delinsGT on transcript NM_003000.3 (MANE Select); coding-DNA positions 375 to 376, AA replaced by GT.
Protein change: p.Lys126Ter; replaces lysine 126 with a stop codon.
Molecular consequence: nonsense. On other transcripts: intron variant (1).
Genome position (GRCh38, 1-based): chr1:17,028,647-17,028,648, TT replaced by AC on the plus strand (AA replaced by GT on the coding strand, the reverse complement: SDHB is on the minus strand). VCF-style: chr1-17028647-TT-AC. GRCh37 (hg19) VCF-style: chr1-17355142-TT-AC.
Other names: c.369+6_369+7delinsGT (NM_001407361.1); short protein forms K126*.
Identifiers: ClinVar variation 3254296 (VCV003254296.2), dbSNP rs2525020453.
Genomic context (GRCh38, chr1:17,028,647, plus strand): 5'-TGCAGAAACTCACGGGAACAAGATCCTTTATCACATACATGTGTGGAAGAGGGTAGATTT[TT>AC]GAGACCTTATTGAGGTTGGTGTCAATCCTTCGGGTGCAAGCTAGAGTGTTGCCTCCATTG-3'